The following is an entry in ClinVar:

ClinVar aggregate classification (germline): Uncertain significance (1 of 4 stars; one submission).

Conditions:
Inborn genetic diseases. Identifiers: MedGen C0950123, MeSH D030342.

gnomAD v4.1: 1 of 1,612,304 alleles (0.000062%); highest among the groups gnomAD compares: African/African-American, 0.0013%; no homozygotes.

Submission:

Ambry Genetics
Classification: Uncertain significance for Inborn genetic diseases. Last evaluated: 2026-08-13. Review status: criteria provided, single submitter. Criteria: Ambry Variant Classification Scheme 2023. Collection method: clinical testing. Allele origin: germline.
Comment: The c.8966C>A (p.T2989N) alteration is located in exon 61 (coding exon 60) of the CDH23 gene. This alteration results from a C to A substitution at nucleotide position 8966, causing the threonine (T) at amino acid position 2989 to be replaced by an asparagine (N). Based on data from gnomAD, the A allele has an overall frequency of 0.001% (2/245018) total alleles studied. The highest observed frequency was 0.013% (2/15168) of African alleles. Based on insufficient or conflicting evidence, the clinical significance of this alteration remains unclear.

NM_022124.6(CDH23):c.8966C>A (p.Thr2989Asn)

Gene: CDH23 (cadherin related 23; plus strand). Cytogenetic location: 10q22.1.
Variant type: single nucleotide variant.
Coding change: c.8966C>A on transcript NM_022124.6 (MANE Select); coding-DNA position 8966, C replaced by A.
Protein change: p.Thr2989Asn; replaces threonine 2989 with asparagine.
Molecular consequence: missense variant.
Genome position (GRCh38, 1-based): chr10:71,810,063, C>A. VCF-style: chr10-71810063-C-A. GRCh37 (hg19) VCF-style: chr10-73569820-C-A.
Other names: c.2246C>A, p.Thr749Asn (NM_001171933.1, NM_001171934.1); short protein forms T2989N, T749N.
Identifiers: ClinVar variation 5034038 (VCV005034038.1).